The following is an entry in ClinVar:

ClinVar aggregate classification (germline): Uncertain significance (1 of 4 stars; one submission).

gnomAD v4.1: 39 of 1,613,976 alleles (0.0024%); highest among the groups gnomAD compares: Non-Finnish European, 0.0033%; no homozygotes.

Submission:

Labcorp Genetics (formerly Invitae), Labcorp
Classification: Uncertain significance. Last evaluated: 2023-04-20. Review status: criteria provided, single submitter. Criteria: Invitae Variant Classification Sherloc (09022015). Collection method: clinical testing. Allele origin: germline.
Comment: This sequence change replaces arginine, which is basic and polar, with cysteine, which is neutral and slightly polar, at codon 542 of the MYO5B protein (p.Arg542Cys). This variant is not present in population databases (gnomAD no frequency). This missense change has been observed in individual(s) with cholestasis (Invitae). In at least one individual the data is consistent with being in trans (on the opposite chromosome) from a pathogenic variant. Advanced modeling of protein sequence and biophysical properties (such as structural, functional, and spatial information, amino acid conservation, physicochemical variation, residue mobility, and thermodynamic stability) performed at Invitae indicates that this missense variant is expected to disrupt MYO5B protein function. In summary, the available evidence is currently insufficient to determine the role of this variant in disease. Therefore, it has been classified as a Variant of Uncertain Significance.

NM_001080467.3(MYO5B):c.1624C>T (p.Arg542Cys)

Gene: MYO5B (myosin VB; minus strand). Cytogenetic location: 18q21.1.
Variant type: single nucleotide variant.
Coding change: c.1624C>T on transcript NM_001080467.3 (MANE Select); coding-DNA position 1624, C replaced by T.
Protein change: p.Arg542Cys; replaces arginine 542 with cysteine.
Molecular consequence: missense variant.
Genome position (GRCh38, 1-based): chr18:49,954,357, G>A on the plus strand (C>T on the coding strand, the complement: MYO5B is on the minus strand). VCF-style: chr18-49954357-G-A. GRCh37 (hg19) VCF-style: chr18-47480727-G-A.
Other names: short protein forms R542C.
Identifiers: ClinVar variation 2989316 (VCV002989316.2), dbSNP rs746895518, ClinGen allele CA299982881.